The following is an entry in ClinVar:

NM_000517.6(HBA2):c.133_134del (p.Pro45fs)

Genes: HBA2 (hemoglobin subunit alpha 2; plus strand), LOC106804612 (hemoglobin subunit alpha 2 recombination region; plus strand). Cytogenetic location: 16p13.3.
Variant type: Deletion.
Coding change: c.133_134del on transcript NM_000517.6 (MANE Select); coding-DNA positions 133 to 134, 2 bases deleted (CC; older notation c.133_134delCC).
Protein change: p.Pro45fs; shifts the reading frame from proline 45.
Molecular consequence: frameshift variant.
Genome position (GRCh38, 1-based): chr16:173,162-173,163, CC deleted; deleting any 2 consecutive bases within chr16:173,161-173,163 gives the same sequence; the c. name uses the placement nearest the transcript's 3' end. VCF-style (leftmost placement, unchanged base first): chr16-173160-TCC-T. GRCh37 (hg19) VCF-style: chr16-223159-TCC-T.
Other names: short protein forms P45fs.
Identifiers: ClinVar variation 4818624 (VCV004818624.1).

ClinVar aggregate classification (germline): Likely pathogenic (1 of 4 stars; one submission).

Conditions:
alpha Thalassemia. Also called: Alpha thalassemia spectrum. Identifiers: Orphanet 846, MedGen C0002312, MONDO:0011399, OMIM 604131.

Submission:

Natera, Inc.
Classification: Likely pathogenic for Alpha thalassemia. Last evaluated: 2026-01-06. Review status: criteria provided, single submitter. Criteria: Natera Variant Classification Schema (03/2026). Collection method: clinical testing. Allele origin: germline.
Comment: The c.133_134del variant in HBA2 is a frameshift variant predicted to shift the reading frame beginning at codon 45 and leads to a stop codon 12 codons downstream. This variant is expected to result in nonsense mediated decay, truncation, or a dysfunctional protein product. This variant is rare in the general population with a frequency below the threshold expected for the associated phenotype(s). Given the available evidence, this variant is classified as Likely Pathogenic.